The following is an entry in ClinVar:

ClinVar aggregate classification (germline): Pathogenic (1 of 4 stars; one submission).

Submission:

Labcorp Genetics (formerly Invitae), Labcorp
Classification: Pathogenic. Last evaluated: 2023-06-24. Review status: criteria provided, single submitter. Criteria: Invitae Variant Classification Sherloc (09022015). Collection method: clinical testing. Allele origin: germline.
Comment: For these reasons, this variant has been classified as Pathogenic. This variant has not been reported in the literature in individuals affected with MYO15A-related conditions. This variant is not present in population databases (gnomAD no frequency). This sequence change creates a premature translational stop signal (p.Arg2187Profs*31) in the MYO15A gene. It is expected to result in an absent or disrupted protein product. Loss-of-function variants in MYO15A are known to be pathogenic (PMID: 17546645).

Literature cited by the submitters: PubMed 17546645.

NM_016239.4(MYO15A):c.6560_6561del (p.Arg2187fs)

Gene: MYO15A (myosin XVA; plus strand). Cytogenetic location: 17p11.2.
Variant type: Deletion.
Coding change: c.6560_6561del on transcript NM_016239.4 (MANE Select); coding-DNA positions 6560 to 6561, 2 bases deleted (GC; older notation c.6560_6561delGC).
Protein change: p.Arg2187fs; shifts the reading frame from arginine 2187.
Molecular consequence: frameshift variant.
Genome position (GRCh38, 1-based): chr17:18,148,079-18,148,080, GC deleted; deleting any 2 consecutive bases within chr17:18,148,078-18,148,080 gives the same sequence; the c. name uses the placement nearest the transcript's 3' end. VCF-style (leftmost placement, unchanged base first): chr17-18148077-CCG-C. GRCh37 (hg19) VCF-style: chr17-18051391-CCG-C.
Other names: short protein forms R2187fs.
Identifiers: ClinVar variation 2727090 (VCV002727090.3), dbSNP rs2545276155, ClinGen allele CA2697559485.